The following is an entry in ClinVar:

NM_024989.4(PGAP1):c.2548G>T (p.Asp850Tyr)

Gene: PGAP1 (post-GPI attachment to proteins inositol deacylase 1; minus strand). Cytogenetic location: 2q33.1.
Variant type: single nucleotide variant.
Coding change: c.2548G>T on transcript NM_024989.4 (MANE Select); coding-DNA position 2548, G replaced by T.
Protein change: p.Asp850Tyr; replaces aspartic acid 850 with tyrosine.
Molecular consequence: missense variant.
Genome position (GRCh38, 1-based): chr2:196,842,803, C>A on the plus strand (G>T on the coding strand, the complement: PGAP1 is on the minus strand). VCF-style: chr2-196842803-C-A. GRCh37 (hg19) VCF-style: chr2-197707527-C-A.
Other names: c.2026G>T, p.Asp676Tyr (NM_001321099.2); c.1381G>T, p.Asp461Tyr (NM_001321100.2); c.2548G>T (NM_024989.3); short protein forms D461Y, D676Y, D850Y.
Identifiers: ClinVar variation 1516252 (VCV001516252.9), dbSNP rs2125775207, ClinGen allele CA350183011.

ClinVar aggregate classification (germline): Uncertain significance (1 of 4 stars; one submission).

Conditions:
Intellectual disability, autosomal recessive 42 (NEDDSBA). Also called: GLYCOSYLPHOSPHATIDYLINOSITOL BIOSYNTHESIS DEFECT 9; Neurodevelopmental disorder with dysmorphic features, spasticity, and brain abnormalities. Identifiers: Orphanet 88616, MedGen C4014343, MONDO:0014348, OMIM 615802.

Allele frequency attached by ClinVar (database versions not stated): gnomAD exomes below 0.00001.
gnomAD v4.1: 1 of 1,564,232 alleles (0.000064%); highest among the groups gnomAD compares: South Asian, 0.0012%; no homozygotes.

Submission:

Labcorp Genetics (formerly Invitae), Labcorp
Classification: Uncertain significance for Intellectual disability, autosomal recessive 42. Last evaluated: 2021-12-02. Review status: criteria provided, single submitter. Criteria: Invitae Variant Classification Sherloc (09022015). Collection method: clinical testing. Allele origin: germline.
Comment: In summary, the available evidence is currently insufficient to determine the role of this variant in disease. Therefore, it has been classified as a Variant of Uncertain Significance. Algorithms developed to predict the effect of missense changes on protein structure and function (SIFT, PolyPhen-2, Align-GVGD) all suggest that this variant is likely to be disruptive. This variant has not been reported in the literature in individuals affected with PGAP1-related conditions. This variant is not present in population databases (gnomAD no frequency). This sequence change replaces aspartic acid, which is acidic and polar, with tyrosine, which is neutral and polar, at codon 850 of the PGAP1 protein (p.Asp850Tyr).